The following is an entry in ClinVar:

ClinVar aggregate classification (germline): Uncertain significance (1 of 4 stars; one submission).

Allele frequency attached by ClinVar (database versions not stated): ExAC 0.00002; gnomAD exomes 0.00002.
gnomAD v4.1: 23 of 1,593,520 alleles (0.0014%); highest among the groups gnomAD compares: South Asian, 0.023%; no homozygotes.

Submission:

Ambry Genetics
Classification: Uncertain significance. Last evaluated: 2024-06-06. Review status: criteria provided, single submitter. Criteria: Ambry Variant Classification Scheme 2023. Collection method: clinical testing. Allele origin: germline.
Comment: The p.I46V variant (also known as c.136A>G), located in coding exon 3 of the BUB1 gene, results from an A to G substitution at nucleotide position 136. The isoleucine at codon 46 is replaced by valine, an amino acid with highly similar properties. This amino acid position is conserved. In addition, this alteration is predicted to be tolerated by in silico analysis. Since supporting evidence is limited at this time, the clinical significance of this alteration remains unclear.

NM_004336.5(BUB1):c.136A>G (p.Ile46Val)

Gene: BUB1 (BUB1 mitotic checkpoint serine/threonine kinase; minus strand). Cytogenetic location: 2q13.
Variant type: single nucleotide variant.
Coding change: c.136A>G on transcript NM_004336.5 (MANE Select); coding-DNA position 136, A replaced by G.
Protein change: p.Ile46Val; replaces isoleucine 46 with valine.
Molecular consequence: missense variant.
Genome position (GRCh38, 1-based): chr2:110,674,175, T>C on the plus strand (A>G on the coding strand, the complement: BUB1 is on the minus strand). VCF-style: chr2-110674175-T-C. GRCh37 (hg19) VCF-style: chr2-111431752-T-C.
Other names: c.76A>G, p.Ile26Val (NM_001278616.2); c.136A>G, p.Ile46Val (NM_001278617.2); short protein forms I46V, I26V.
Identifiers: ClinVar variation 1771004 (VCV001771004.3), dbSNP rs765749386, ClinGen allele CA1828446.